The following is an entry in ClinVar:

ClinVar aggregate classification (germline): Uncertain significance (1 of 4 stars; one submission).

Conditions:
Inborn genetic diseases. Identifiers: MedGen C0950123, MeSH D030342.

Allele frequency attached by ClinVar (database versions not stated): gnomAD exomes below 0.00001; ExAC 0.00001.
gnomAD v4.1: 2 of 1,611,134 alleles (0.00012%); highest among the groups gnomAD compares: Admixed American, 0.0033%; no homozygotes.

Submission:

Ambry Genetics
Classification: Uncertain significance for Inborn genetic diseases. Last evaluated: 2022-05-15. Review status: criteria provided, single submitter. Criteria: Ambry Variant Classification Scheme 2023. Collection method: clinical testing. Allele origin: germline.
Comment: The c.2088+6C>G intronic alteration consists of a C to G substitution 6 nucleotides after exon 13 (coding exon 12) of the KIAA0753 gene. Based on insufficient or conflicting evidence, the clinical significance of this alteration remains unclear.

NM_014804.3(KIAA0753):c.2088+6C>G

Gene: KIAA0753 (KIAA0753; minus strand). Cytogenetic location: 17p13.1.
Variant type: single nucleotide variant.
Coding change: c.2088+6C>G on transcript NM_014804.3 (MANE Select); 6 bases into the intron after coding-DNA position 2088, C replaced by G.
Molecular consequence: intron variant.
Genome position (GRCh38, 1-based): chr17:6,600,374, G>C on the plus strand (C>G on the coding strand, the complement: KIAA0753 is on the minus strand). VCF-style: chr17-6600374-G-C. GRCh37 (hg19) VCF-style: chr17-6503694-G-C.
Other names: c.1191+6C>G (NM_001351225.2).
Identifiers: ClinVar variation 2284039 (VCV002284039.2), dbSNP rs760466700, ClinGen allele CA8330283.